The following is an entry in ClinVar:

ClinVar aggregate classification (germline): Conflicting classifications of pathogenicity. Review status: criteria provided, conflicting classifications (1 of 4 stars). 2 submissions from 2 submitters: Pathogenic (1); Uncertain significance (1). Last evaluated 2022-05-20.

Conditions:
Hereditary cancer-predisposing syndrome. Also called: Neoplastic Syndromes, Hereditary; Tumor predisposition; Hereditary Cancer Syndrome; Hereditary neoplastic syndrome. Identifiers: Orphanet 140162, MedGen C0027672, MeSH D009386, MONDO:0015356.
Oligodontia-cancer predisposition syndrome. Also called: TOOTH AGENESIS-COLORECTAL CANCER SYNDROME. Identifiers: Orphanet 300576, MedGen C1837750, MONDO:0012075, OMIM 608615. Disease mechanism: loss of function.

Submissions (2):

Labcorp Genetics (formerly Invitae), Labcorp
Classification: Uncertain significance for Oligodontia-cancer predisposition syndrome. Last evaluated: 2022-05-20. Review status: criteria provided, single submitter. Criteria: Invitae Variant Classification Sherloc (09022015). Collection method: clinical testing. Allele origin: germline.
Comment: In summary, the available evidence is currently insufficient to determine the role of this variant in disease. Therefore, it has been classified as a Variant of Uncertain Significance. This variant has not been reported in the literature in individuals affected with AXIN2-related conditions. This variant is not present in population databases (gnomAD no frequency). This sequence change creates a premature translational stop signal (p.Glu627*) in the AXIN2 gene. Loss-of-function variants in AXIN2 are known to be pathogenic (PMID: 21416598, 15042511). However, tissue-specific alternative splicing of AXIN2 gene results in functional isoform lacking in-frame exon 7 (also known as exon 6, PMID: 15735151). For this reason the clinical significance of loss of function variants in exon 7 is currently uncertain.

Ambry Genetics
Classification: Pathogenic for Hereditary cancer-predisposing syndrome. Last evaluated: 2021-08-31. Review status: criteria provided, single submitter. Criteria: Ambry Variant Classification Scheme 2023. Collection method: clinical testing. Allele origin: germline.
Comment: The p.E627* pathogenic mutation (also known as c.1879G>T), located in coding exon 6 of the AXIN2 gene, results from a G to T substitution at nucleotide position 1879. This changes the amino acid from a glutamic acid to a stop codon within coding exon 6. This variant is considered to be rare based on population cohorts in the Genome Aggregation Database (gnomAD). This alteration is expected to result in loss of function by premature protein truncation or nonsense-mediated mRNA decay. As such, this alteration is interpreted as a disease-causing mutation.

Literature cited by the submitters: PubMed 21416598 (cited by Labcorp Genetics (formerly Invitae), Labcorp); PubMed 15042511 (cited by Labcorp Genetics (formerly Invitae), Labcorp).

NM_004655.4(AXIN2):c.1879G>T (p.Glu627Ter)

Gene: AXIN2 (axin 2; minus strand). Cytogenetic location: 17q24.1.
Variant type: single nucleotide variant.
Coding change: c.1879G>T on transcript NM_004655.4 (MANE Select); coding-DNA position 1879, G replaced by T.
Protein change: p.Glu627Ter; replaces glutamic acid 627 with a stop codon.
Molecular consequence: nonsense. On other transcripts: intron variant (1).
Genome position (GRCh38, 1-based): chr17:65,536,897, C>A on the plus strand (G>T on the coding strand, the complement: AXIN2 is on the minus strand). VCF-style: chr17-65536897-C-A. GRCh37 (hg19) VCF-style: chr17-63533015-C-A.
Other names: c.1713-344G>T (NM_001363813.1); short protein forms E627*.
Identifiers: ClinVar variation 1781848 (VCV001781848.7), dbSNP rs1598097733, ClinGen allele CA400676426.
Genomic context (GRCh38, chr17:65,536,897, plus strand): 5'-TCGCGGCCGCGGCGGCGGCAAGCGGTGTTTACCTATGGGGCTTGGGCTTGCTCTGCCGCT[C>A]ACTCTCCAGCATCCACTGCCAGACATCCTGCGACCTGTCTCCTTCCTCCCGGGGAAGCTG-3'